The following is an entry in ClinVar:

ClinVar aggregate classification (germline): Likely benign. Review status: criteria provided, multiple submitters, no conflicts (2 of 4 stars). 2 submissions from 2 submitters: Likely benign (2). Last evaluated 2026-01-11.

Conditions:
Sitosterolemia (STSL). Also called: PHYTOSTEROLEMIA. Identifiers: Orphanet 2882, MedGen C0342907, MONDO:0008863.

Allele frequency attached by ClinVar (database versions not stated): ESP Exome Variant Server 0.00100; 1000 Genomes Project 30x 0.00016; 1000 Genomes Project 0.00020.
gnomAD v4.1: 940 of 1,612,748 alleles (0.058%); highest among the groups gnomAD compares: Non-Finnish European, 0.074%; no homozygotes.

Submissions (2):

Labcorp Genetics (formerly Invitae), Labcorp
Classification: Likely benign for Sitosterolemia. Last evaluated: 2026-01-11. Review status: criteria provided, single submitter. Criteria: Invitae Variant Classification Sherloc (09022015). Collection method: clinical testing. Allele origin: germline.

Women's Health and Genetics/Laboratory Corporation of America, LabCorp
Classification: Likely benign. Last evaluated: 2024-08-12. Review status: criteria provided, single submitter. Criteria: LabCorp Variant Classification Summary - May 2015. Collection method: clinical testing. Allele origin: germline.
Comment: Variant summary: ABCG5 c.775-18C>T alters a non-conserved nucleotide located at a position not widely known to affect splicing. Consensus agreement among computation tools predict no significant impact on normal splicing. However, these predictions have yet to be confirmed by functional studies. The variant allele was found at a frequency of 0.00032 in 249334 control chromosomes. This frequency is not significantly higher than estimated for a pathogenic variant in ABCG5 causing Sitosterolemia (0.00032 vs 0.0032), allowing no conclusion about variant significance. c.775-18C>T has been reported in the literature in individuals affected with Familial hypercholesterolemia, however without strong evidence for causality (e.g., Reeskamp_2020). These report(s) do not provide unequivocal conclusions about association of the variant with Early Onset Coronary Artery Disease. To our knowledge, no experimental evidence demonstrating an impact on protein function has been reported. The following publication has been ascertained in the context of this evaluation (PMID: 32088153). ClinVar contains an entry for this variant (Variation ID: 1544495). Based on the evidence outlined above, the variant was classified as likely benign.

Literature cited by the submitters: PubMed 32088153 (cited by Women's Health and Genetics/Laboratory Corporation of America, LabCorp).

NM_022436.3(ABCG5):c.775-18C>T

Genes: ABCG5 (ATP binding cassette subfamily G member 5; minus strand), DYNC2LI1 (dynein cytoplasmic 2 light intermediate chain 1; plus strand). Cytogenetic location: 2p21.
Variant type: single nucleotide variant.
Coding change: c.775-18C>T on transcript NM_022436.3 (MANE Select); 18 bases into the intron before coding-DNA position 775, C replaced by T.
Molecular consequence: intron variant.
Genome position (GRCh38, 1-based): chr2:43,825,036, G>A on the plus strand (C>T on the coding strand, the complement: ABCG5 is on the minus strand). VCF-style: chr2-43825036-G-A. GRCh37 (hg19) VCF-style: chr2-44052175-G-A.
Other names: c.*16-2350G>A (NM_001348913.2, NM_001348912.2).
Identifiers: ClinVar variation 1544495 (VCV001544495.9), dbSNP rs200416765, ClinGen allele CA1636517.